The following is an entry in ClinVar:

NC_012920.1(MT-TI):m.4317A>G

Gene: MT-TI (mitochondrially encoded tRNA isoleucine; plus strand).
Variant type: single nucleotide variant.
Genome position: chrM-4317-A-G.
Other names: 4317A-G.
Identifiers: ClinVar variation 9601 (VCV000009601.2), dbSNP rs121434465, ClinGen allele CA120569.
Genomic context (GRCh38, chrMT:4,317, plus strand): 5'-AACCTAAGAAATATGTCTGATAAAAGAGTTACTTTGATAGAGTAAATAATAGGAGCTTAA[A>G]CCCCCTTATTTCTAGGACTATGAGAATCGAACCCATCCCTGAGAATCCAAAATTCTCCGT-3'

ClinVar aggregate classification (germline): Benign. Review status: criteria provided, single submitter (1 of 4 stars). 2 submissions from 2 submitters: Benign (1). 1 of the submissions does not count toward it. Last evaluated 2019-07-12.

Conditions:
Cardiomyopathy, fatal infantile. Identifiers: MedGen C4016612.
MELAS syndrome (MELAS). Also called: Juvenile myopathy, encephalopathy, lactic acidosis, stroke. Identifiers: Orphanet 550, MedGen C0162671, MONDO:0010789, OMIM 540000.

Submissions (2):

Wong Mito Lab, Molecular and Human Genetics, Baylor College of Medicine
Classification: Benign for MELAS syndrome. Last evaluated: 2019-07-12. Review status: criteria provided, single submitter. Criteria: Modified ACMG Guidelines (Unpublished). Collection method: clinical testing. Allele origin: germline.
Comment: The NC_012920.1:m.4317A>G variant in MT-TI gene is interpreted to be a Benign variant based on the modified ACMG guidelines (unpublished). This variant meets the following evidence codes reported in the guidelines: BS1, BS4, BP4

OMIM
Classification: Pathogenic for CARDIOMYOPATHY, FATAL INFANTILE. Last evaluated: 2003-05-09. Review status: no assertion criteria provided. Collection method: literature only. Allele origin: germline. Not counted in ClinVar's aggregate classification.

Literature cited by the submitters: PubMed 31965079 (cited by Wong Mito Lab, Molecular and Human Genetics, Baylor College of Medicine); PubMed 1978914 (cited by OMIM); PubMed 12621050 (cited by OMIM).